The following is an entry in ClinVar:

ClinVar aggregate classification (germline): Likely benign. Review status: criteria provided, multiple submitters, no conflicts (2 of 4 stars). 2 submissions from 2 submitters: Likely benign (2). Last evaluated 2025-02-24.

Conditions:
Neurofibromatosis, type 2 (SWNV). Also called: BILATERAL ACOUSTIC NEUROFIBROMATOSIS; NF2-Related Schwannomatosis; SCHWANNOMATOSIS, VESTIBULAR. Identifiers: Orphanet 637, MedGen C0027832, MONDO:0007039, OMIM 101000. Disease mechanism: loss of function.

Allele frequency attached by ClinVar (database versions not stated): gnomAD exomes below 0.00001; gnomAD 0.00001.
gnomAD v4.1: 3 of 1,592,594 alleles (0.00019%); highest among the groups gnomAD compares: East Asian, 0.0022%; no homozygotes.

Submissions (2):

Labcorp Genetics (formerly Invitae), Labcorp
Classification: Likely benign for Neurofibromatosis, type 2. Last evaluated: 2025-02-24. Review status: criteria provided, single submitter. Criteria: Invitae Variant Classification Sherloc (09022015). Collection method: clinical testing. Allele origin: germline.

All of Us Research Program, National Institutes of Health
Classification: Likely benign for Neurofibromatosis, type 2. Last evaluated: 2023-06-26. Review status: criteria provided, single submitter. Criteria: ACMG Guidelines, 2015. Collection method: clinical testing. Allele origin: germline. Inheritance: Autosomal dominant inheritance. Observed: 1 variant allele, 1 heterozygote.
Comment: This study involves interpretation of variants in research participants for the purpose of population health screening. Participant phenotype was not available at the time of variant classification. Additional details can be found in publication PMID: 35346344, PMCID: PMC8962531

NM_000268.4(NF2):c.811-15G>T

Gene: NF2 (NF2, moesin-ezrin-radixin like (MERLIN) tumor suppressor; plus strand). Cytogenetic location: 22q12.2.
Variant type: single nucleotide variant.
Coding change: c.811-15G>T on transcript NM_000268.4 (MANE Select); 15 bases into the intron before coding-DNA position 811, G replaced by T.
Molecular consequence: intron variant.
Genome position (GRCh38, 1-based): chr22:29,664,975, G>T. VCF-style: chr22-29664975-G-T. GRCh37 (hg19) VCF-style: chr22-30060964-G-T.
Other names: c.811-15G>T (NM_016418.5, NM_181832.3, NM_001407060.1 and 2 more transcripts); c.697-15G>T (NM_001407056.1, NM_001407053.1); c.580-15G>T (NM_001407067.1); c.277-15G>T (NM_001407065.1); c.676-15G>T (NM_001407059.1, NM_001407057.1); c.447+22690G>T (NM_181833.3); c.688-15G>T (NM_001407058.1, NM_181829.3, NM_001407054.1); c.553-15G>T (NM_001407062.1); and 2 more.
Identifiers: ClinVar variation 3071979 (VCV003071979.3), dbSNP rs1601630353, ClinGen allele CA2400679638.